The following is an entry in ClinVar:

NM_004655.4(AXIN2):c.1873G>T (p.Glu625Ter)

Gene: AXIN2 (axin 2; minus strand). Cytogenetic location: 17q24.1.
Variant type: single nucleotide variant.
Coding change: c.1873G>T on transcript NM_004655.4 (MANE Select); coding-DNA position 1873, G replaced by T.
Protein change: p.Glu625Ter; replaces glutamic acid 625 with a stop codon.
Molecular consequence: nonsense. On other transcripts: intron variant (1).
Genome position (GRCh38, 1-based): chr17:65,536,903, C>A on the plus strand (G>T on the coding strand, the complement: AXIN2 is on the minus strand). VCF-style: chr17-65536903-C-A. GRCh37 (hg19) VCF-style: chr17-63533021-C-A.
Other names: c.1713-350G>T (NM_001363813.1); short protein forms E625*.
Identifiers: ClinVar variation 1781734 (VCV001781734.2), dbSNP rs2144448744, ClinGen allele CA400676443.

ClinVar aggregate classification (germline): Pathogenic (1 of 4 stars; one submission).

Conditions:
Hereditary cancer-predisposing syndrome. Also called: Neoplastic Syndromes, Hereditary; Tumor predisposition; Hereditary Cancer Syndrome; Hereditary neoplastic syndrome. Identifiers: Orphanet 140162, MedGen C0027672, MeSH D009386, MONDO:0015356.

Submission:

Ambry Genetics
Classification: Pathogenic for Hereditary cancer-predisposing syndrome. Last evaluated: 2022-09-16. Review status: criteria provided, single submitter. Criteria: Ambry Variant Classification Scheme 2023. Collection method: clinical testing. Allele origin: germline.
Comment: The p.E625* pathogenic mutation (also known as c.1873G>T), located in coding exon 6 of the AXIN2 gene, results from a G to T substitution at nucleotide position 1873. This changes the amino acid from a glutamic acid to a stop codon within coding exon 6. This variant is considered to be rare based on population cohorts in the Genome Aggregation Database (gnomAD). This alteration is expected to result in loss of function by premature protein truncation or nonsense-mediated mRNA decay. As such, this alteration is interpreted as a disease-causing mutation.